The following is an entry in ClinVar:

ClinVar aggregate classification (germline): Uncertain significance (1 of 4 stars; one submission).

Conditions:
Intellectual developmental disorder, autosomal dominant 1. Also called: Intellectual disability, autosomal dominant 1; MBD5 Haploinsufficiency. Identifiers: Orphanet 228402, MedGen C1969562, MONDO:0007974, OMIM 156200.

Allele frequency attached by ClinVar (database versions not stated): gnomAD exomes below 0.00001.
gnomAD v4.1: 1 of 1,614,196 alleles (0.000062%); highest among the groups gnomAD compares: Non-Finnish European, 0.000085%; no homozygotes.

Submission:

Labcorp Genetics (formerly Invitae), Labcorp
Classification: Uncertain significance for Intellectual developmental disorder, autosomal dominant 1. Last evaluated: 2022-07-10. Review status: criteria provided, single submitter. Criteria: Invitae Variant Classification Sherloc (09022015). Collection method: clinical testing. Allele origin: germline.
Comment: In summary, the available evidence is currently insufficient to determine the role of this variant in disease. Therefore, it has been classified as a Variant of Uncertain Significance. Algorithms developed to predict the effect of sequence changes on RNA splicing suggest that this variant may create or strengthen a splice site. Algorithms developed to predict the effect of missense changes on protein structure and function are either unavailable or do not agree on the potential impact of this missense change (SIFT: "Deleterious"; PolyPhen-2: "Not Available"; Align-GVGD: "Class C45"). This variant has not been reported in the literature in individuals affected with MBD5-related conditions. This variant is not present in population databases (gnomAD no frequency). This sequence change replaces asparagine, which is neutral and polar, with serine, which is neutral and polar, at codon 1337 of the MBD5 protein (p.Asn1337Ser).

NM_001378120.1(MBD5):c.4709A>G (p.Asn1570Ser)

Gene: MBD5 (methyl-CpG binding domain protein 5; plus strand). Cytogenetic location: 2q23.1.
Variant type: single nucleotide variant.
Coding change: c.4709A>G on transcript NM_001378120.1 (MANE Select); coding-DNA position 4709, A replaced by G.
Protein change: p.Asn1570Ser; replaces asparagine 1570 with serine.
Molecular consequence: missense variant.
Genome position (GRCh38, 1-based): chr2:148,490,341, A>G. VCF-style: chr2-148490341-A-G. GRCh37 (hg19) VCF-style: chr2-149247910-A-G.
Other names: c.4010A>G, p.Asn1337Ser (NM_018328.5); short protein forms N1570S, N1337S.
Identifiers: ClinVar variation 1922549 (VCV001922549.5), dbSNP rs2470029531, ClinGen allele CA348730503.